The following is an entry in ClinVar:

ClinVar aggregate classification (germline): Uncertain significance (0 of 4 stars; one submission).

Conditions:
CUL9-related disorder. Also called: CUL9-related condition.

Submission:

PreventionGenetics, part of Exact Sciences
Classification: Uncertain significance for CUL9-related condition. Last evaluated: 2024-02-23. Review status: no assertion criteria provided. Collection method: clinical testing. Allele origin: germline.
Comment: The CUL9 c.6917C>T variant is predicted to result in the amino acid substitution p.Ala2306Val. To our knowledge, this variant has not been reported in the literature or in a large population database, indicating this variant is rare. At this time, the clinical significance of this variant is uncertain due to the absence of conclusive functional and genetic evidence.

NM_015089.4(CUL9):c.6917C>T (p.Ala2306Val)

Gene: CUL9 (cullin 9; plus strand). Cytogenetic location: 6p21.1.
Variant type: single nucleotide variant.
Coding change: c.6917C>T on transcript NM_015089.4 (MANE Select); coding-DNA position 6917, C replaced by T.
Protein change: p.Ala2306Val; replaces alanine 2306 with valine.
Molecular consequence: missense variant.
Genome position (GRCh38, 1-based): chr6:43,222,386, C>T. VCF-style: chr6-43222386-C-T. GRCh37 (hg19) VCF-style: chr6-43190124-C-T.
Other names: short protein forms A2306V.
Identifiers: ClinVar variation 3032860 (VCV003032860.2), dbSNP rs376259019, ClinGen allele CA364181717.